The following is an entry in ClinVar:

NM_002485.5(NBN):c.897-11_897-6del

Gene: NBN (nibrin; minus strand). Cytogenetic location: 8q21.3.
Variant type: Deletion.
Coding change: c.897-11_897-6del on transcript NM_002485.5 (MANE Select); 11 bases into the intron before coding-DNA position 897 through 6 bases into the intron before coding-DNA position 897, 6 bases deleted (TATTCT; older notation c.897-11_897-6delTATTCT).
Molecular consequence: intron variant.
Genome position (GRCh38, 1-based): chr8:89,964,513-89,964,518, AGAATA deleted on the plus strand (TATTCT on the coding strand, the reverse complement: NBN is on the minus strand); deleting any 6 consecutive bases within chr8:89,964,513-89,964,519 gives the same sequence; the c. name uses the placement nearest the transcript's 3' end. VCF-style (leftmost placement, unchanged base first): chr8-89964512-TAGAATA-T. GRCh37 (hg19) VCF-style: chr8-90976740-TAGAATA-T.
Other names: c.897-11_897-6delTATTCT (NM_002485.4); c.651-11_651-6del (NM_001024688.3).
Identifiers: ClinVar variation 639055 (VCV000639055.8), dbSNP rs1586076334, ClinGen allele CA915945785.

ClinVar aggregate classification (germline): Uncertain significance (1 of 4 stars; one submission).

Conditions:
Microcephaly, normal intelligence and immunodeficiency (NBS). Also called: Immunodeficiency, microcephaly with normal intelligence; SEEMANOVA SYNDROME II; Nijmegen breakage syndrome; Microcephaly with normal intelligence immunodeficiency and lymphoreticular malignancies; Nonsyndromal microcephaly autosomal recessive with normal intelligence; Seemanova syndrome 2. Identifiers: Orphanet 647, MedGen C0398791, MONDO:0009623, OMIM 251260.

Submission:

Labcorp Genetics (formerly Invitae), Labcorp
Classification: Uncertain significance for Microcephaly, normal intelligence and immunodeficiency. Last evaluated: 2022-09-04. Review status: criteria provided, single submitter. Criteria: Invitae Variant Classification Sherloc (09022015). Collection method: clinical testing. Allele origin: germline.
Comment: This sequence change falls in intron 7 of the NBN gene. It does not directly change the encoded amino acid sequence of the NBN protein. In summary, the available evidence is currently insufficient to determine the role of this variant in disease. Therefore, it has been classified as a Variant of Uncertain Significance. Algorithms developed to predict the effect of sequence changes on RNA splicing suggest that this variant may disrupt the consensus splice site. ClinVar contains an entry for this variant (Variation ID: 639055). This variant has not been reported in the literature in individuals affected with NBN-related conditions. This variant is not present in population databases (gnomAD no frequency).